The following is an entry in ClinVar:

NM_002618.4(PEX13):c.103T>C (p.Leu35=)

Gene: PEX13 (peroxisomal biogenesis factor 13; plus strand). Cytogenetic location: 2p15.
Variant type: single nucleotide variant.
Coding change: c.103T>C on transcript NM_002618.4 (MANE Select); coding-DNA position 103, T replaced by C.
Protein change: p.Leu35=; no amino-acid change (leucine 35 retained).
Molecular consequence: synonymous variant.
Genome position (GRCh38, 1-based): chr2:61,031,429, T>C. VCF-style: chr2-61031429-T-C. GRCh37 (hg19) VCF-style: chr2-61258564-T-C.
Identifiers: ClinVar variation 5001600 (VCV005001600.1).

ClinVar aggregate classification (germline): Likely benign (1 of 4 stars; one submission).

Conditions:
PEX13-related disorder. Also called: PEX13-related condition; PEX13-related disorders.

Submission:

PreventionGenetics, part of Exact Sciences
Classification: Likely benign for PEX13-related condition. Last evaluated: 2025-02-05. Review status: criteria provided, single submitter. Criteria: ACMG Guidelines, 2015. Collection method: clinical testing. Allele origin: germline.
Comment: This variant is classified as likely benign based on ACMG/AMP sequence variant interpretation guidelines (Richards et al. 2015 PMID: 25741868, with internal and published modifications).